The following is an entry in ClinVar:

NM_022568.4(ALDH8A1):c.1076A>G (p.Asp359Gly)

Gene: ALDH8A1 (aldehyde dehydrogenase 8 family member A1; minus strand). Cytogenetic location: 6q23.3.
Variant type: single nucleotide variant.
Coding change: c.1076A>G on transcript NM_022568.4 (MANE Select); coding-DNA position 1076, A replaced by G.
Protein change: p.Asp359Gly; replaces aspartic acid 359 with glycine.
Molecular consequence: missense variant.
Genome position (GRCh38, 1-based): chr6:134,918,803, T>C on the plus strand (A>G on the coding strand, the complement: ALDH8A1 is on the minus strand). VCF-style: chr6-134918803-T-C. GRCh37 (hg19) VCF-style: chr6-135239941-T-C.
Other names: c.926A>G, p.Asp309Gly (NM_001193480.2); c.914A>G, p.Asp305Gly (NM_170771.3); short protein forms D305G, D309G, D359G.
Identifiers: ClinVar variation 2656923 (VCV002656923.24), dbSNP rs149883779, ClinGen allele CA4010093.

ClinVar aggregate classification (germline): Likely benign (1 of 4 stars; one submission).

Allele frequency attached by ClinVar (database versions not stated): 1000 Genomes Project 0.00020; 1000 Genomes Project 30x 0.00031; ExAC 0.00109; TOPMed 0.00121; gnomAD 0.00131; ESP Exome Variant Server 0.00161; gnomAD exomes 0.00208.
gnomAD v4.1: 3,309 of 1,614,228 alleles (0.2%); highest among the groups gnomAD compares: Non-Finnish European, 0.25%; 13 homozygotes.

Submission:

CeGaT Center for Human Genetics Tuebingen
Classification: Likely benign. Last evaluated: 2022-11-01. Review status: criteria provided, single submitter. Criteria: CeGaT Center For Human Genetics Tuebingen Variant Classification Criteria Version 2. Collection method: clinical testing. Allele origin: germline. Affected: yes. Observed: 1 variant allele.
Comment: ALDH8A1: BP4, BS2